The following is an entry in ClinVar:

ClinVar aggregate classification (germline): Pathogenic (1 of 4 stars; one submission).

Conditions:
Hyperekplexia 2 (HKPX2). Identifiers: Orphanet 3197, MedGen C3553291, MONDO:0013828, OMIM 614619.

Submission:

Labcorp Genetics (formerly Invitae), Labcorp
Classification: Pathogenic for Hyperekplexia 2. Last evaluated: 2023-05-31. Review status: criteria provided, single submitter. Criteria: Invitae Variant Classification Sherloc (09022015). Collection method: clinical testing. Allele origin: germline.
Comment: This variant is not present in population databases (gnomAD no frequency). This sequence change creates a premature translational stop signal (p.Lys31Argfs*30) in the GLRB gene. It is expected to result in an absent or disrupted protein product. Loss-of-function variants in GLRB are known to be pathogenic (PMID: 23182654, 23184146). This variant has not been reported in the literature in individuals affected with GLRB-related conditions. For these reasons, this variant has been classified as Pathogenic.

Literature cited by the submitters: PubMed 23182654; PubMed 23184146.

NM_000824.5(GLRB):c.84del (p.Lys31fs)

Gene: GLRB (glycine receptor beta; plus strand). Cytogenetic location: 4q32.1.
Variant type: Deletion.
Coding change: c.84del on transcript NM_000824.5 (MANE Select); coding-DNA position 84, one base deleted (G; older notation c.84delG).
Protein change: p.Lys31fs; shifts the reading frame from lysine 31.
Molecular consequence: frameshift variant.
Genome position (GRCh38, 1-based): chr4:157,078,108, G deleted. VCF-style (leftmost placement, unchanged base first): chr4-157078107-AG-A. GRCh37 (hg19) VCF-style: chr4-157999259-AG-A.
Other names: c.84del, p.Lys31fs (NM_001166060.2, NM_001166061.2); short protein forms K31fs.
Identifiers: ClinVar variation 2754032 (VCV002754032.3), dbSNP rs2531235100, ClinGen allele CA2697546971.